The following is an entry in ClinVar:

NM_005732.4(RAD50):c.2378C>T (p.Thr793Ile)

Gene: RAD50 (RAD50 double strand break repair protein; plus strand). Cytogenetic location: 5q31.1.
Variant type: single nucleotide variant.
Coding change: c.2378C>T on transcript NM_005732.4 (MANE Select); coding-DNA position 2378, C replaced by T.
Protein change: p.Thr793Ile; replaces threonine 793 with isoleucine.
Molecular consequence: missense variant.
Genome position (GRCh38, 1-based): chr5:132,603,470, C>T. VCF-style: chr5-132603470-C-T. GRCh37 (hg19) VCF-style: chr5-131939162-C-T.
Other names: short protein forms T793I.
Identifiers: ClinVar variation 232970 (VCV000232970.15), dbSNP rs876660104, ClinGen allele CA10578563.

ClinVar aggregate classification (germline): Uncertain significance. Review status: criteria provided, multiple submitters, no conflicts (2 of 4 stars). 2 submissions from 2 submitters: Uncertain significance (2). Last evaluated 2025-07-11.

Conditions:
Hereditary cancer-predisposing syndrome. Also called: Neoplastic Syndromes, Hereditary; Tumor predisposition; Hereditary Cancer Syndrome; Hereditary neoplastic syndrome. Identifiers: Orphanet 140162, MedGen C0027672, MeSH D009386, MONDO:0015356.

Allele frequency attached by ClinVar (database versions not stated): TOPMed below 0.00001.
gnomAD v4.1: 1 of 1,613,786 alleles (0.000062%); highest among the groups gnomAD compares: South Asian, 0.0011%; no homozygotes.

Submissions (2):

Ambry Genetics
Classification: Uncertain significance for Hereditary cancer-predisposing syndrome. Last evaluated: 2025-07-11. Review status: criteria provided, single submitter. Criteria: Ambry Variant Classification Scheme 2023. Collection method: clinical testing. Allele origin: germline.
Comment: The p.T793I variant (also known as c.2378C>T), located in coding exon 14 of the RAD50 gene, results from a C to T substitution at nucleotide position 2378. The threonine at codon 793 is replaced by isoleucine, an amino acid with similar properties. This amino acid position is not well conserved in available vertebrate species. In addition, this alteration is predicted to be tolerated by in silico analysis. Since supporting evidence is limited at this time, the clinical significance of this alteration remains unclear.

Labcorp Genetics (formerly Invitae), Labcorp
Classification: Uncertain significance for Hereditary cancer-predisposing syndrome. Last evaluated: 2023-06-09. Review status: criteria provided, single submitter. Criteria: Invitae Variant Classification Sherloc (09022015). Collection method: clinical testing. Allele origin: germline.
Comment: ClinVar contains an entry for this variant (Variation ID: 232970). Advanced modeling of protein sequence and biophysical properties (such as structural, functional, and spatial information, amino acid conservation, physicochemical variation, residue mobility, and thermodynamic stability) performed at Invitae indicates that this missense variant is not expected to disrupt RAD50 protein function. In summary, the available evidence is currently insufficient to determine the role of this variant in disease. Therefore, it has been classified as a Variant of Uncertain Significance. This variant has not been reported in the literature in individuals affected with RAD50-related conditions. This sequence change replaces threonine, which is neutral and polar, with isoleucine, which is neutral and non-polar, at codon 793 of the RAD50 protein (p.Thr793Ile). This variant is not present in population databases (gnomAD no frequency).